The following is an entry in ClinVar:

ClinVar aggregate classification (germline): Uncertain significance (1 of 4 stars; one submission).

Conditions:
Glycogen storage disease, type II (IOPD). Also called: Glucosidase acid-1,4-alpha deficiency; Pompe Disease; POMPE DISEASE, INFANTILE-ONSET; GLYCOGEN STORAGE DISEASE II, INFANTILE-ONSET; ACID ALPHA-GLUCOSIDASE DEFICIENCY, INFANTILE-ONSET; GAA DEFICIENCY, INFANTILE-ONSET. Identifiers: Orphanet 365, MedGen C0017921, MONDO:0009290, OMIM 232300.

Submission:

Labcorp Genetics (formerly Invitae), Labcorp
Classification: Uncertain significance for Glycogen storage disease, type II. Last evaluated: 2019-09-30. Review status: criteria provided, single submitter. Criteria: Invitae Variant Classification Sherloc (09022015). Collection method: clinical testing. Allele origin: germline.
Comment: In summary, this variant is a novel missense change with uncertain impact on protein function. It has been classified as a Variant of Uncertain Significance. Algorithms developed to predict the effect of missense changes on protein structure and function do not agree on the potential impact of this missense change (SIFT: "Deleterious"; PolyPhen-2: "Probably Damaging"; Align-GVGD: "Class C15"). This variant is not present in population databases (ExAC no frequency) and has not been reported in the literature in individuals with a GAA-related disease. This sequence change replaces threonine with isoleucine at codon 832 of the GAA protein (p.Thr832Ile). The threonine residue is highly conserved and there is a moderate physicochemical difference between threonine and isoleucine.

NM_000152.5(GAA):c.2495C>T (p.Thr832Ile)

Gene: GAA (alpha glucosidase; plus strand). Cytogenetic location: 17q25.3.
Variant type: single nucleotide variant.
Coding change: c.2495C>T on transcript NM_000152.5 (MANE Select); coding-DNA position 2495, C replaced by T.
Protein change: p.Thr832Ile; replaces threonine 832 with isoleucine.
Molecular consequence: missense variant.
Genome position (GRCh38, 1-based): chr17:80,118,206, C>T. VCF-style: chr17-80118206-C-T. GRCh37 (hg19) VCF-style: chr17-78092005-C-T.
Other names: c.2495C>T (LRG_673t1); c.2495C>T, p.Thr832Ile (NM_001079803.3, NM_001079804.3); short protein forms T832I.
Identifiers: ClinVar variation 456407 (VCV000456407.11), dbSNP rs1555603057, ClinGen allele CA401325981.
Genomic context (GRCh38, chr17:80,118,206, plus strand): 5'-CTCCACCAGGGTGGGGATGATGACATCACGTGTCCTTCCCTTTCCAGGGCCCTGGCCTCA[C>T]AACCACAGAGTCCCGCCAGCAGCCCATGGCCCTGGCTGTGGCCCTGACCAAGGGTGGGGA-3'
Protein context (NP_000143.2, residues 822-842): YIIPLQGPGL[Thr832Ile]TTESRQQPMA